The following is an entry in ClinVar:

ClinVar aggregate classification (germline): Conflicting classifications of pathogenicity. Review status: criteria provided, conflicting classifications (1 of 4 stars). 6 submissions from 5 submitters: Uncertain significance (1); Benign (2); Likely benign (3). Last evaluated 2024-11-26.

Conditions:
Arterial calcification, generalized, of infancy, 1 (GACI1). Also called: Idiopathic Infantile Arterial Calcification. Identifiers: Orphanet 51608, MedGen C4551985, MONDO:0008817, OMIM 208000.
Hypophosphatemic rickets, autosomal recessive, 2 (ARHR2). Identifiers: Orphanet 289176, MedGen C2750078, MONDO:0013219, OMIM 613312.

Allele frequency attached by ClinVar (database versions not stated): 1000 Genomes Project 30x 0.01187; TOPMed 0.01592; gnomAD 0.02463 and 0.02518; gnomAD exomes 0.03793 and 0.50000.
gnomAD v4.1: 22,535 of 626,240 alleles (3.6%); highest among the groups gnomAD compares: Middle Eastern, 5.2%; 288 homozygotes.

Submissions (6):

Blueprint Genetics
Classification: Likely benign. Last evaluated: 2024-11-26. Review status: criteria provided, single submitter. Criteria: ACMG Guidelines, 2015. Collection method: clinical testing. Allele origin: germline.

Mayo Clinic Laboratories, Mayo Clinic
Classification: Benign. Last evaluated: 2023-09-27. Review status: criteria provided, single submitter. Criteria: ACMG Guidelines, 2015. Collection method: clinical testing. Allele origin: germline. Observed: 8 variant alleles.
Comment: BA1, BS2

GeneDx
Classification: Likely benign. Last evaluated: 2019-04-16. Review status: criteria provided, single submitter. Criteria: GeneDx Variant Classification Process June 2021. Collection method: clinical testing. Allele origin: germline. Affected: yes.

Eurofins Ntd Llc (ga)
Classification: Benign. Last evaluated: 2018-05-08. Review status: criteria provided, single submitter. Criteria: EGL ClinVar v180209 classification definitions. Collection method: clinical testing. Allele origin: germline. Observed: 8 variant alleles, 8 heterozygotes.

Illumina Laboratory Services, Illumina
Classification: Likely benign for Hypophosphatemic rickets, autosomal recessive, 2. Last evaluated: 2017-04-27. Review status: criteria provided, single submitter. Criteria: ICSL Variant Classification Criteria 13 December 2019. Collection method: clinical testing. Allele origin: germline.
Comment: This variant was observed as part of a predisposition screen in an ostensibly healthy population. A literature search was performed for the gene, cDNA change, and amino acid change (where applicable). No publications were found based on this search. Allele frequency data from public databases allowed determination this variant is unlikely to cause disease. Therefore, this variant is classified as likely benign.

Illumina Laboratory Services, Illumina
Classification: Uncertain significance for Arterial calcification, generalized, of infancy, 1. Last evaluated: 2017-04-27. Review status: criteria provided, single submitter. Criteria: ICSL Variant Classification Criteria 13 December 2019. Collection method: clinical testing. Allele origin: germline.

NM_006208.3(ENPP1):c.-10C>T

Gene: ENPP1 (ectonucleotide pyrophosphatase/phosphodiesterase 1; plus strand). Cytogenetic location: 6q23.2.
Variant type: single nucleotide variant.
Coding change: c.-10C>T on transcript NM_006208.3 (MANE Select); 10 bases upstream of the start codon, C replaced by T.
Molecular consequence: 5 prime UTR variant.
Genome position (GRCh38, 1-based): chr6:131,808,026, C>T. VCF-style: chr6-131808026-C-T. GRCh37 (hg19) VCF-style: chr6-132129166-C-T.
Identifiers: ClinVar variation 193334 (VCV000193334.13), dbSNP rs750410843, ClinGen allele CA200503.